The following is an entry in ClinVar:

NM_014727.3(KMT2B):c.349G>A (p.Glu117Lys)

Gene: KMT2B (lysine methyltransferase 2B; plus strand). Cytogenetic location: 19q13.12.
Variant type: single nucleotide variant.
Coding change: c.349G>A on transcript NM_014727.3 (MANE Select); coding-DNA position 349, G replaced by A.
Protein change: p.Glu117Lys; replaces glutamic acid 117 with lysine.
Molecular consequence: missense variant.
Genome position (GRCh38, 1-based): chr19:35,718,367, G>A. VCF-style: chr19-35718367-G-A. GRCh37 (hg19) VCF-style: chr19-36209269-G-A.
Other names: short protein forms E117K.
Identifiers: ClinVar variation 1483594 (VCV001483594.31), dbSNP rs1266540705, ClinGen allele CA405375743.

ClinVar aggregate classification (germline): Uncertain significance. Review status: criteria provided, multiple submitters, no conflicts (2 of 4 stars). 2 submissions from 2 submitters: Uncertain significance (2). Last evaluated 2026-01-17.

Allele frequency attached by ClinVar (database versions not stated): gnomAD exomes 0.00001.
gnomAD v4.1: 9 of 1,269,848 alleles (0.00071%); highest among the groups gnomAD compares: Non-Finnish European, 0.0009%; no homozygotes.

Submissions (2):

Labcorp Genetics (formerly Invitae), Labcorp
Classification: Uncertain significance. Last evaluated: 2026-01-17. Review status: criteria provided, single submitter. Criteria: Invitae Variant Classification Sherloc (09022015). Collection method: clinical testing. Allele origin: germline.
Comment: This sequence change replaces glutamic acid, which is acidic and polar, with lysine, which is basic and polar, at codon 117 of the KMT2B protein (p.Glu117Lys). This variant is not present in population databases (gnomAD no frequency). This variant has not been reported in the literature in individuals affected with KMT2B-related conditions. ClinVar contains an entry for this variant (Variation ID: 1483594). Invitae Evidence Modeling of protein sequence and biophysical properties (such as structural, functional, and spatial information, amino acid conservation, physicochemical variation, residue mobility, and thermodynamic stability) indicates that this missense variant is not expected to disrupt KMT2B protein function with a negative predictive value of 95%. In summary, the available evidence is currently insufficient to determine the role of this variant in disease. Therefore, it has been classified as a Variant of Uncertain Significance.

CeGaT Center for Human Genetics Tuebingen
Classification: Uncertain significance. Last evaluated: 2025-05-01. Review status: criteria provided, single submitter. Criteria: CeGaT Center For Human Genetics Tuebingen Variant Classification Criteria Version 2. Collection method: clinical testing. Allele origin: germline. Affected: yes. Observed: 2 variant alleles.